The following is an entry in ClinVar:

NM_012082.4(ZFPM2):c.1793A>T (p.Asn598Ile)

Genes: ZFPM2 (zinc finger protein, FOG family member 2; plus strand), ZFPM2-AS1 (ZFPM2 antisense RNA 1; minus strand). Cytogenetic location: 8q23.1.
Variant type: single nucleotide variant.
Coding change: c.1793A>T on transcript NM_012082.4 (MANE Select); coding-DNA position 1793, A replaced by T.
Protein change: p.Asn598Ile; replaces asparagine 598 with isoleucine.
Molecular consequence: missense variant.
Genome position (GRCh38, 1-based): chr8:105,801,875, A>T. VCF-style: chr8-105801875-A-T. GRCh37 (hg19) VCF-style: chr8-106814103-A-T.
Other names: c.1634A>T, p.Asn545Ile (NM_001362836.2); c.1397A>T, p.Asn466Ile (NM_001362837.2); short protein forms N466I, N545I, N598I.
Identifiers: ClinVar variation 3359739 (VCV003359739.1).
Genomic context (GRCh38, chr8:105,801,875, plus strand): 5'-TGGCTAAGTCCCCAGAGTTCCCTAGTGTGTCAGAAAAGATGCCTGAAGCTTTGAGTCCCA[A>T]CACTGGCCAAACCTCCATAAACCTTCTCAACCCAGCTGCTCATTCTGCTGATCCTGAGAA-3'
Protein context (NP_036214.2, residues 588-608): SEKMPEALSP[Asn598Ile]TGQTSINLLN

ClinVar aggregate classification (germline): Uncertain significance (1 of 4 stars; one submission).

Submission:

GeneDx
Classification: Uncertain significance. Last evaluated: 2023-06-13. Review status: criteria provided, single submitter. Criteria: GeneDx Variant Classification Process June 2021. Collection method: clinical testing. Allele origin: germline. Affected: yes.
Comment: Not observed at significant frequency in large population cohorts (gnomAD); In silico analysis supports that this missense variant does not alter protein structure/function; Has not been previously published as pathogenic or benign to our knowledge